The following is an entry in ClinVar:

NM_001127208.3(TET2):c.5062A>T (p.Ser1688Cys)

Genes: TET2 (tet methylcytosine dioxygenase 2; plus strand), TET2-AS1 (TET2 antisense RNA 1; minus strand). Cytogenetic location: 4q24.
Variant type: single nucleotide variant.
Coding change: c.5062A>T on transcript NM_001127208.3 (MANE Select); coding-DNA position 5062, A replaced by T.
Protein change: p.Ser1688Cys; replaces serine 1688 with cysteine.
Molecular consequence: missense variant.
Genome position (GRCh38, 1-based): chr4:105,275,572, A>T. VCF-style: chr4-105275572-A-T. GRCh37 (hg19) VCF-style: chr4-106196729-A-T.
Other names: short protein forms S1688C.
Identifiers: ClinVar variation 2002868 (VCV002002868.4), dbSNP rs1313851619, ClinGen allele CA357814294.
Genomic context (GRCh38, chr4:105,275,572, plus strand): 5'-TCTAAGCTCAGTCTACCACCCATCCATACACTTTACCAGCCAAGGTTTGGAAATAGCCAG[A>T]GTTTTACATCTAAATACTTAGGTTATGGAAACCAAAATATGCAGGGAGATGGTTTCAGCA-3'
Protein context (NP_001120680.1, residues 1678-1698): LYQPRFGNSQ[Ser1688Cys]FTSKYLGYGN

ClinVar aggregate classification (germline): Uncertain significance (1 of 4 stars; one submission).

gnomAD v4.1: 3 of 1,551,718 alleles (0.00019%); highest among the groups gnomAD compares: Non-Finnish European, 0.00026%; no homozygotes.

Submission:

Labcorp Genetics (formerly Invitae), Labcorp
Classification: Uncertain significance. Last evaluated: 2022-06-28. Review status: criteria provided, single submitter. Criteria: Invitae Variant Classification Sherloc (09022015). Collection method: clinical testing. Allele origin: germline.
Comment: This variant has not been reported in the literature in individuals affected with TET2-related conditions. This variant is not present in population databases (gnomAD no frequency). This sequence change replaces serine, which is neutral and polar, with cysteine, which is neutral and slightly polar, at codon 1688 of the TET2 protein (p.Ser1688Cys). Algorithms developed to predict the effect of missense changes on protein structure and function are either unavailable or do not agree on the potential impact of this missense change (SIFT: "Tolerated"; PolyPhen-2: "Probably Damaging"; Align-GVGD: "Class C0"). In summary, the available evidence is currently insufficient to determine the role of this variant in disease. Therefore, it has been classified as a Variant of Uncertain Significance.